The following is an entry in ClinVar:

NM_001369.3(DNAH5):c.12194G>C (p.Arg4065Thr)

Gene: DNAH5 (dynein axonemal heavy chain 5; minus strand). Cytogenetic location: 5p15.2.
Variant type: single nucleotide variant.
Coding change: c.12194G>C on transcript NM_001369.3 (MANE Select); coding-DNA position 12194, G replaced by C.
Protein change: p.Arg4065Thr; replaces arginine 4065 with threonine.
Molecular consequence: missense variant.
Genome position (GRCh38, 1-based): chr5:13,721,085, C>G on the plus strand (G>C on the coding strand, the complement: DNAH5 is on the minus strand). VCF-style: chr5-13721085-C-G. GRCh37 (hg19) VCF-style: chr5-13721194-C-G.
Other names: short protein forms R4065T.
Identifiers: ClinVar variation 4773798 (VCV004773798.1).

ClinVar aggregate classification (germline): Uncertain significance (1 of 4 stars; one submission).

Conditions:
Primary ciliary dyskinesia. Also called: Ciliary dyskinesia. Identifiers: Orphanet 244, MedGen C0008780, MONDO:0016575, HP:0012265.

Submission:

Labcorp Genetics (formerly Invitae), Labcorp
Classification: Uncertain significance for Primary ciliary dyskinesia. Last evaluated: 2025-11-04. Review status: criteria provided, single submitter. Criteria: Invitae Variant Classification Sherloc (09022015). Collection method: clinical testing. Allele origin: germline.
Comment: This sequence change replaces arginine, which is basic and polar, with threonine, which is neutral and polar, at codon 4065 of the DNAH5 protein (p.Arg4065Thr). This variant is not present in population databases (gnomAD no frequency). This variant has not been reported in the literature in individuals affected with DNAH5-related conditions. Invitae Evidence Modeling of protein sequence and biophysical properties (such as structural, functional, and spatial information, amino acid conservation, physicochemical variation, residue mobility, and thermodynamic stability) indicates that this missense variant is not expected to disrupt DNAH5 protein function with a negative predictive value of 95%. In summary, the available evidence is currently insufficient to determine the role of this variant in disease. Therefore, it has been classified as a Variant of Uncertain Significance.